The following is an entry in ClinVar:

ClinVar aggregate classification (germline): Likely benign. Review status: criteria provided, multiple submitters, no conflicts (2 of 4 stars). 3 submissions from 3 submitters: Likely benign (2). 1 of the submissions does not count toward it. Last evaluated 2026-01-18.

Conditions:
ABCC6-related disorder. Also called: ABCC6-related condition.

Allele frequency attached by ClinVar (database versions not stated): ESP Exome Variant Server 0.00008; gnomAD exomes 0.00032; ExAC 0.00038; 1000 Genomes Project 30x 0.00078; 1000 Genomes Project 0.00080.
gnomAD v4.1: 310 of 1,610,962 alleles (0.019%); highest among the groups gnomAD compares: Middle Eastern, 0.25%; no homozygotes.

Submissions (3):

Labcorp Genetics (formerly Invitae), Labcorp
Classification: Likely benign. Last evaluated: 2026-01-18. Review status: criteria provided, single submitter. Criteria: Invitae Variant Classification Sherloc (09022015). Collection method: clinical testing. Allele origin: germline.

Blueprint Genetics
Classification: Likely benign. Last evaluated: 2024-09-02. Review status: criteria provided, single submitter. Criteria: ACMG Guidelines, 2015. Collection method: clinical testing. Allele origin: germline.

PreventionGenetics, part of Exact Sciences
Classification: Likely benign for ABCC6-related condition. Last evaluated: 2019-09-19. Review status: no assertion criteria provided. Collection method: clinical testing. Allele origin: germline. Not counted in ClinVar's aggregate classification.
Comment: This variant is classified as likely benign based on ACMG/AMP sequence variant interpretation guidelines (Richards et al. 2015 PMID: 25741868, with internal and published modifications).

NM_001171.6(ABCC6):c.2248-19G>C

Gene: ABCC6 (ATP binding cassette subfamily C member 6; minus strand). Cytogenetic location: 16p13.11.
Variant type: single nucleotide variant.
Coding change: c.2248-19G>C on transcript NM_001171.6 (MANE Select); 19 bases into the intron before coding-DNA position 2248, G replaced by C.
Molecular consequence: intron variant.
Genome position (GRCh38, 1-based): chr16:16,178,984, C>G on the plus strand (G>C on the coding strand, the complement: ABCC6 is on the minus strand). VCF-style: chr16-16178984-C-G. GRCh37 (hg19) VCF-style: chr16-16272841-C-G.
Other names: c.1906-19G>C (NM_001351800.1); c.2248-19G>C (NM_001171.5).
Identifiers: ClinVar variation 1140852 (VCV001140852.12), dbSNP rs191392093, ClinGen allele CA7925970.
Genomic context (GRCh38, chr16:16,178,984, plus strand): 5'-CAGGCTCAGCCGCTGCTTCTGGCCTCCGGAGAGATTCATGCCCTGTGGCCACAAAAGGAA[C>G]AGTGGCCTGAGTCAGCATCTACAGGGTGAAACTGGGGTGCCCAGGCTGTGGCAGGTCAGG-3'